The following is an entry in ClinVar:

ClinVar aggregate classification (germline): Uncertain significance (1 of 4 stars; one submission).

Conditions:
Intellectual developmental disorder with language impairment and early-onset DOPA-responsive dystonia-parkinsonism (IDLDP). Identifiers: Orphanet 660017, MedGen C5677001, MONDO:0859257, OMIM 619911.

gnomAD v4.1: 1 of 1,614,216 alleles (0.000062%); highest among the groups gnomAD compares: Non-Finnish European, 0.000085%; no homozygotes.

Submission:

Laboratorio de Genetica e Diagnostico Molecular, Hospital Israelita Albert Einstein
Classification: Uncertain significance for Intellectual developmental disorder with language impairment and early-onset DOPA-responsive dystonia-parkinsonism. Last evaluated: 2025-10-08. Review status: criteria provided, single submitter. Criteria: ACMG Guidelines, 2015. Collection method: clinical testing. Allele origin: germline. Affected: yes.
Comment: ACMG classification criteria: PM2 supporting, PP3 supporting

NM_006186.4(NR4A2):c.1213C>A (p.Gln405Lys)

Gene: NR4A2 (nuclear receptor subfamily 4 group A member 2; minus strand). Cytogenetic location: 2q24.1.
Variant type: single nucleotide variant.
Coding change: c.1213C>A on transcript NM_006186.4 (MANE Select); coding-DNA position 1213, C replaced by A.
Protein change: p.Gln405Lys; replaces glutamine 405 with lysine.
Molecular consequence: missense variant.
Genome position (GRCh38, 1-based): chr2:156,326,866, G>T on the plus strand (C>A on the coding strand, the complement: NR4A2 is on the minus strand). VCF-style: chr2-156326866-G-T. GRCh37 (hg19) VCF-style: chr2-157183378-G-T.
Other names: c.1024C>A, p.Gln342Lys (NM_173173.3); short protein forms Q342K, Q405K.
Identifiers: ClinVar variation 4846875 (VCV004846875.1).